The following is an entry in ClinVar:

ClinVar aggregate classification (germline): Uncertain significance (1 of 4 stars; one submission).

Conditions:
Neuronal ceroid lipofuscinosis. Also called: Neuronal Ceroid Lipofuscinoses. Identifiers: Orphanet 216, Orphanet 79263, MedGen C0027877, MONDO:0016295. Disease mechanism: loss of function.

Submission:

Labcorp Genetics (formerly Invitae), Labcorp
Classification: Uncertain significance for Neuronal ceroid lipofuscinosis. Last evaluated: 2022-07-16. Review status: criteria provided, single submitter. Criteria: Invitae Variant Classification Sherloc (09022015). Collection method: clinical testing. Allele origin: germline.
Comment: This variant is not present in population databases (gnomAD no frequency). In summary, the available evidence is currently insufficient to determine the role of this variant in disease. Therefore, it has been classified as a Variant of Uncertain Significance. Algorithms developed to predict the effect of missense changes on protein structure and function (SIFT, PolyPhen-2, Align-GVGD) all suggest that this variant is likely to be disruptive. This variant has not been reported in the literature in individuals affected with CLN6-related conditions. This sequence change replaces leucine, which is neutral and non-polar, with glutamine, which is neutral and polar, at codon 137 of the CLN6 protein (p.Leu137Gln).

NM_017882.3(CLN6):c.410T>A (p.Leu137Gln)

Gene: CLN6 (CLN6 transmembrane ER protein; minus strand). Cytogenetic location: 15q23.
Variant type: single nucleotide variant.
Coding change: c.410T>A on transcript NM_017882.3 (MANE Select); coding-DNA position 410, T replaced by A.
Protein change: p.Leu137Gln; replaces leucine 137 with glutamine.
Molecular consequence: missense variant.
Genome position (GRCh38, 1-based): chr15:68,211,751, A>T on the plus strand (T>A on the coding strand, the complement: CLN6 is on the minus strand). VCF-style: chr15-68211751-A-T. GRCh37 (hg19) VCF-style: chr15-68504089-A-T.
Other names: c.506T>A, p.Leu169Gln (NM_001411068.1); short protein forms L137Q, L169Q.
Identifiers: ClinVar variation 1716361 (VCV001716361.6), dbSNP rs2505409264, ClinGen allele CA392973467.